The following is an entry in ClinVar:

ClinVar aggregate classification (germline): Uncertain significance (1 of 4 stars; one submission).

gnomAD v4.1: 1 of 1,613,708 alleles (0.000062%); highest among the groups gnomAD compares: Non-Finnish European, 0.000085%; no homozygotes.

Submission:

Labcorp Genetics (formerly Invitae), Labcorp
Classification: Uncertain significance. Last evaluated: 2024-06-12. Review status: criteria provided, single submitter. Criteria: Invitae Variant Classification Sherloc (09022015). Collection method: clinical testing. Allele origin: germline.
Comment: This sequence change replaces serine, which is neutral and polar, with alanine, which is neutral and non-polar, at codon 462 of the ERCC2 protein (p.Ser462Ala). This variant is not present in population databases (gnomAD no frequency). This variant has not been reported in the literature in individuals affected with ERCC2-related conditions. Advanced modeling of protein sequence and biophysical properties (such as structural, functional, and spatial information, amino acid conservation, physicochemical variation, residue mobility, and thermodynamic stability) has been performed at Invitae for this missense variant, however the output from this modeling did not meet the statistical confidence thresholds required to predict the impact of this variant on ERCC2 protein function. In summary, the available evidence is currently insufficient to determine the role of this variant in disease. Therefore, it has been classified as a Variant of Uncertain Significance.

NM_000400.4(ERCC2):c.1384T>G (p.Ser462Ala)

Gene: ERCC2 (ERCC excision repair 2, TFIIH core complex helicase subunit; minus strand). Cytogenetic location: 19q13.32.
Variant type: single nucleotide variant.
Coding change: c.1384T>G on transcript NM_000400.4 (MANE Select); coding-DNA position 1384, T replaced by G.
Protein change: p.Ser462Ala; replaces serine 462 with alanine.
Molecular consequence: missense variant.
Genome position (GRCh38, 1-based): chr19:45,357,365, A>C on the plus strand (T>G on the coding strand, the complement: ERCC2 is on the minus strand). VCF-style: chr19-45357365-A-C. GRCh37 (hg19) VCF-style: chr19-45860623-A-C.
Other names: short protein forms S462A.
Identifiers: ClinVar variation 3681576 (VCV003681576.2).
Genomic context (GRCh38, chr19:45,357,365, plus strand): 5'-TGAAGGTTGCCATGGTGACGGGGTGGAAGTCCAGGATCTTGGGGTAGATGTCCAGCGGGG[A>C]CAGTGTCTGTGGCGGGACAGTGGGAGGGATCTCAGCAGGACTGGGCAGGGACCAGGAGGC-3'
Protein context (NP_000391.1, residues 452-472): QSVIITSGTL[Ser462Ala]PLDIYPKILD